The following is an entry in ClinVar:

NM_006206.6(PDGFRA):c.2531T>A (p.Met844Lys)

Gene: PDGFRA (platelet derived growth factor receptor alpha; plus strand). Cytogenetic location: 4q12.
Variant type: single nucleotide variant.
Coding change: c.2531T>A on transcript NM_006206.6 (MANE Select); coding-DNA position 2531, T replaced by A.
Protein change: p.Met844Lys; replaces methionine 844 with lysine.
Molecular consequence: missense variant.
Genome position (GRCh38, 1-based): chr4:54,285,932, T>A. VCF-style: chr4-54285932-T-A. GRCh37 (hg19) VCF-style: chr4-55152099-T-A.
Other names: c.2531T>A, p.Met844Lys (NM_001347829.2); c.2570T>A, p.Met857Lys (NM_001347830.2); c.2606T>A, p.Met869Lys (NM_001347828.2); short protein forms M869K, M844K, M857K.
Identifiers: ClinVar variation 5026450 (VCV005026450.1).

ClinVar aggregate classification (germline): Uncertain significance (1 of 4 stars; one submission).

Conditions:
Hereditary cancer-predisposing syndrome. Also called: Neoplastic Syndromes, Hereditary; Tumor predisposition; Hereditary neoplastic syndrome; Hereditary Cancer Syndrome. Identifiers: Orphanet 140162, MedGen C0027672, MeSH D009386, MONDO:0015356.

Submission:

Ambry Genetics
Classification: Uncertain significance for Hereditary cancer-predisposing syndrome. Last evaluated: 2026-08-11. Review status: criteria provided, single submitter. Criteria: Ambry Variant Classification Scheme 2023. Collection method: clinical testing. Allele origin: germline.
Comment: The p.M844K variant (also known as c.2531T>A), located in coding exon 17 of the PDGFRA gene, results from a T to A substitution at nucleotide position 2531. The methionine at codon 844 is replaced by lysine, an amino acid with similar properties. This amino acid position is conserved. In addition, this alteration is predicted to be deleterious by in silico analysis. Based on the available evidence, the clinical significance of this variant remains unclear.